The following is an entry in ClinVar:

ClinVar aggregate classification (germline): Uncertain significance. Review status: criteria provided, multiple submitters, no conflicts (2 of 4 stars). 2 submissions from 2 submitters: Uncertain significance (2). Last evaluated 2021-05-20.

Conditions:
Hereditary cancer-predisposing syndrome. Also called: Hereditary neoplastic syndrome; Neoplastic Syndromes, Hereditary; Tumor predisposition; Hereditary Cancer Syndrome. Identifiers: Orphanet 140162, MedGen C0027672, MeSH D009386, MONDO:0015356.

gnomAD v4.1: 2 of 1,606,040 alleles (0.00012%); highest among the groups gnomAD compares: Non-Finnish European, 0.00017%; no homozygotes.

Submissions (2):

Ambry Genetics
Classification: Uncertain significance for Hereditary cancer-predisposing syndrome. Last evaluated: 2021-05-20. Review status: criteria provided, single submitter. Criteria: Ambry Variant Classification Scheme 2023. Collection method: clinical testing. Allele origin: germline.
Comment: The p.L14F variant (also known as c.40C>T) is located in coding exon 2 of the XRCC2 gene. The leucine at codon 14 is replaced by phenylalanine, an amino acid with highly similar properties. This change occurs in the first base pair of coding exon 2. This amino acid position is highly conserved in available vertebrate species. In addition, this alteration is predicted to be tolerated by in silico analysis. Since supporting evidence is limited at this time, the clinical significance of this alteration remains unclear.

GeneDx
Classification: Uncertain significance. Last evaluated: 2016-08-09. Review status: criteria provided, single submitter. Criteria: GeneDx Variant Classification (06012015). Collection method: clinical testing. Allele origin: germline. Affected: yes.
Comment: This variant is denoted XRCC2 c.40C>T at the cDNA level, p.Leu14Phe (L14F) at the protein level, and results in the change of a Leucine to a Phenylalanine (CTC>TTC). This variant has not, to our knowledge, been published in the literature as pathogenic or benign. XRCC2 Leu14Phe was not observed in approximately 6,500 individuals of European and African American ancestry in the NHLBI Exome Sequencing Project, suggesting it is not a common benign variant in these populations. Since Leucine and Phenylalanine share similar properties, this is considered a conservative amino acid substitution. XRCC2 Leu14Phe occurs at a position that is conserved across species and is not located in a known functional domain (Miller 2004, Kim 2011). In silico analyses predict that this variant is probably damaging to protein structure and function. Based on currently available evidence, it is unclear whether XRCC2 Leu14Phe is a pathogenic or benign variant. We consider it to be a variant of uncertain significance.

NM_005431.2(XRCC2):c.40C>T (p.Leu14Phe)

Gene: XRCC2 (X-ray repair cross complementing 2; minus strand). Cytogenetic location: 7q36.1.
Variant type: single nucleotide variant.
Coding change: c.40C>T on transcript NM_005431.2 (MANE Select); coding-DNA position 40, C replaced by T.
Protein change: p.Leu14Phe; replaces leucine 14 with phenylalanine.
Molecular consequence: missense variant.
Genome position (GRCh38, 1-based): chr7:152,660,782, G>A on the plus strand (C>T on the coding strand, the complement: XRCC2 is on the minus strand). VCF-style: chr7-152660782-G-A. GRCh37 (hg19) VCF-style: chr7-152357867-G-A.
Other names: short protein forms L14F.
Identifiers: ClinVar variation 421950 (VCV000421950.4), dbSNP rs1029144797, ClinGen allele CA16618439.
Genomic context (GRCh38, chr7:152,660,782, plus strand): 5'-CAGCAAACAGATTTGGTTCTATTTCTTTCAAGGAACTTCTACCTTCAAGTCGGGCAAGGA[G>A]CTTATAAAAGAAGAGAGAAGGAAAACTCATTATTTAAAAATATAAAATCCTAGACATCTA-3'
Protein context (NP_005422.1, residues 4-24): AFHRAESGTE[Leu14Phe]LARLEGRSSL